The following is an entry in ClinVar:

NM_020631.6(PLEKHG5):c.1101G>A (p.Leu367=)

Gene: PLEKHG5 (pleckstrin homology and RhoGEF domain containing G5; minus strand). Cytogenetic location: 1p36.31.
Variant type: single nucleotide variant.
Coding change: c.1101G>A on transcript NM_020631.6 (MANE Select); coding-DNA position 1101, G replaced by A.
Protein change: p.Leu367=; no amino-acid change (leucine 367 retained).
Molecular consequence: synonymous variant.
Genome position (GRCh38, 1-based): chr1:6,471,788, C>T on the plus strand (G>A on the coding strand, the complement: PLEKHG5 is on the minus strand). VCF-style: chr1-6471788-C-T. GRCh37 (hg19) VCF-style: chr1-6531848-C-T.
Other names: c.1212G>A, p.Leu404= (NM_001042663.3, NM_001265592.2); c.1101G>A, p.Leu367= (NM_001042664.2, NM_001042665.2, NM_001265594.3 and 1 more transcripts); c.1308G>A, p.Leu436= (NM_001265593.2).
Identifiers: ClinVar variation 4787321 (VCV004787321.1).

ClinVar aggregate classification (germline): Uncertain significance (1 of 4 stars; one submission).

Conditions:
Neuronopathy, distal hereditary motor, autosomal recessive 4. Also called: NEUROPATHY, DISTAL HEREDITARY MOTOR, AUTOSOMAL RECESSIVE 4; Autosomal recessive lower motor neuron disease with childhood onset. Identifiers: Orphanet 206580, MedGen C1970211, MONDO:0012608, OMIM 611067.
Charcot-Marie-Tooth disease recessive intermediate C. Also called: CHARCOT-MARIE-TOOTH NEUROPATHY, RECESSIVE INTERMEDIATE C. Identifiers: Orphanet 369867, MedGen C3809309, MONDO:0014154, OMIM 615376.

Submission:

Labcorp Genetics (formerly Invitae), Labcorp
Classification: Uncertain significance for Neuronopathy, distal hereditary motor, autosomal recessive 4; Charcot-Marie-Tooth disease recessive intermediate C. Last evaluated: 2026-01-20. Review status: criteria provided, single submitter. Criteria: Invitae Variant Classification Sherloc (09022015). Collection method: clinical testing. Allele origin: germline.
Comment: This sequence change affects codon 367 of the PLEKHG5 mRNA. It is a 'silent' change, meaning that it does not change the encoded amino acid sequence of the PLEKHG5 protein. This variant is not present in population databases (gnomAD no frequency). This variant has not been reported in the literature in individuals affected with PLEKHG5-related conditions. Algorithms developed to predict the effect of sequence changes on RNA splicing suggest that this variant may disrupt the consensus splice site. In summary, the available evidence is currently insufficient to determine the role of this variant in disease. Therefore, it has been classified as a Variant of Uncertain Significance.